The following is an entry in ClinVar:

ClinVar aggregate classification (germline): Uncertain significance (0 of 4 stars; one submission).

Conditions:
HK1-related disorder. Also called: HK1-related disorders; HK1-related condition.

Submission:

PreventionGenetics, part of Exact Sciences
Classification: Uncertain significance for HK1-related condition. Last evaluated: 2023-12-12. Review status: no assertion criteria provided. Collection method: clinical testing. Allele origin: germline.
Comment: The HK1 c.1070C>T variant is predicted to result in the amino acid substitution p.Thr357Ile. To our knowledge, this variant has not been reported in the literature or in a large population database, indicating this variant is rare. At this time, the clinical significance of this variant is uncertain due to the absence of conclusive functional and genetic evidence.

NM_000188.3(HK1):c.1070C>T (p.Thr357Ile)

Gene: HK1 (hexokinase 1; plus strand). Cytogenetic location: 10q22.1.
Variant type: single nucleotide variant.
Coding change: c.1070C>T on transcript NM_000188.3 (MANE Select); coding-DNA position 1070, C replaced by T.
Protein change: p.Thr357Ile; replaces threonine 357 with isoleucine.
Molecular consequence: missense variant.
Genome position (GRCh38, 1-based): chr10:69,379,900, C>T. VCF-style: chr10-69379900-C-T. GRCh37 (hg19) VCF-style: chr10-71139656-C-T.
Other names: c.1082C>T, p.Thr361Ile (NM_001322364.2, NM_001358263.1, NM_033497.3 and 1 more transcripts); c.1175C>T, p.Thr392Ile (NM_001322365.2); c.986C>T, p.Thr329Ile (NM_001322366.1); c.974C>T, p.Thr325Ile (NM_001322367.1); c.1067C>T, p.Thr356Ile (NM_033496.3); c.1034C>T, p.Thr345Ile (NM_033500.2); short protein forms T325I, T329I, T345I, T356I, T357I, T361I, T392I.
Identifiers: ClinVar variation 3041185 (VCV003041185.2), dbSNP rs2540410448, ClinGen allele CA376917245.